The following is an entry in ClinVar:

NM_001164508.2(NEB):c.5567G>A (p.Arg1856Gln)

Gene: NEB (nebulin; minus strand). Cytogenetic location: 2q23.3.
Variant type: single nucleotide variant.
Coding change: c.5567G>A on transcript NM_001164508.2 (MANE Select); coding-DNA position 5567, G replaced by A.
Protein change: p.Arg1856Gln; replaces arginine 1856 with glutamine.
Molecular consequence: missense variant.
Genome position (GRCh38, 1-based): chr2:151,663,744, C>T on the plus strand (G>A on the coding strand, the complement: NEB is on the minus strand). VCF-style: chr2-151663744-C-T. GRCh37 (hg19) VCF-style: chr2-152520258-C-T.
Other names: c.5567G>A, p.Arg1856Gln (NM_001164507.2, NM_001271208.2, NM_004543.5); short protein forms R1856Q.
Identifiers: ClinVar variation 129747 (VCV000129747.28), dbSNP rs141930814, ClinGen allele CA154004.

ClinVar aggregate classification (germline): Benign/Likely benign. Review status: criteria provided, multiple submitters, no conflicts (2 of 4 stars). 11 submissions from 11 submitters: Benign (4); Likely benign (3). 4 of the submissions do not count toward it. Last evaluated 2026-02-04.

Conditions:
Nemaline myopathy 2 (NEM2). Also called: Nemaline myopathy 2, autosomal recessive. Identifiers: MedGen C1850569, MONDO:0009725, OMIM 256030.

Allele frequency attached by ClinVar (database versions not stated): 1000 Genomes Project 30x 0.00406; 1000 Genomes Project 0.00439; TOPMed 0.00934; gnomAD 0.01051 and 0.01071; gnomAD exomes 0.01053 and 0.01416; ExAC 0.01063; ESP Exome Variant Server 0.01225.
gnomAD v4.1: 22,166 of 1,613,756 alleles (1.4%); highest among the groups gnomAD compares: Non-Finnish European, 1.7%; 187 homozygotes.

Submissions (11):

Labcorp Genetics (formerly Invitae), Labcorp
Classification: Benign for Nemaline myopathy 2. Last evaluated: 2026-02-04. Review status: criteria provided, single submitter. Criteria: Invitae Variant Classification Sherloc (09022015). Collection method: clinical testing. Allele origin: germline.

Blueprint Genetics
Classification: Likely benign. Last evaluated: 2024-11-23. Review status: criteria provided, single submitter. Criteria: ACMG Guidelines, 2015. Collection method: clinical testing. Allele origin: germline.

Athena Diagnostics
Classification: Benign. Last evaluated: 2018-03-30. Review status: criteria provided, single submitter. Criteria: Athena Diagnostics Criteria. Collection method: clinical testing. Allele origin: germline.

Illumina Laboratory Services, Illumina
Classification: Likely benign for Nemaline myopathy 2. Last evaluated: 2018-01-13. Review status: criteria provided, single submitter. Criteria: ICSL Variant Classification Criteria 13 December 2019. Collection method: clinical testing. Allele origin: germline.
Comment: This variant was observed in the ICSL laboratory as part of a predisposition screen in an ostensibly healthy population. It had not been previously curated by ICSL or reported in the Human Gene Mutation Database (HGMD: prior to June 1st, 2018), and was therefore a candidate for classification through an automated scoring system. Utilizing variant allele frequency, disease prevalence and penetrance estimates, and inheritance mode, an automated score was calculated to assess if this variant is too frequent to cause the disease. Based on the score and internal cut-off values, a variant classified as likely benign is not then subjected to further curation. The score for this variant resulted in a classification of likely benign for this disease.

GeneDx
Classification: Benign. Last evaluated: 2016-07-08. Review status: criteria provided, single submitter. Criteria: GeneDx Variant Classification (06012015). Collection method: clinical testing. Allele origin: germline. Affected: yes.
Comment: This variant is considered likely benign or benign based on one or more of the following criteria: it is a conservative change, it occurs at a poorly conserved position in the protein, it is predicted to be benign by multiple in silico algorithms, and/or has population frequency not consistent with disease.

Breakthrough Genomics
Classification: Likely benign. Review status: criteria provided, single submitter. Criteria: ACMG Guidelines, 2015. Collection method: not provided. Allele origin: germline. Inheritance: Autosomal recessive inheritance. Affected: yes.

PreventionGenetics, part of Exact Sciences
Classification: Benign. Review status: criteria provided, single submitter. Criteria: ACMG Guidelines, 2015. Collection method: clinical testing. Allele origin: germline.

Natera, Inc.
Classification: Likely benign for Nemaline myopathy type 2. Last evaluated: 2019-11-28. Review status: no assertion criteria provided. Collection method: clinical testing. Allele origin: germline. Not counted in ClinVar's aggregate classification.

Genetic Services Laboratory, University of Chicago
Classification: Likely benign for AllHighlyPenetrant. Review status: no assertion criteria provided. Collection method: clinical testing. Allele origin: germline. Inheritance: Autosomal recessive inheritance. Not counted in ClinVar's aggregate classification.
Comment: Likely benign based on allele frequency in 1000 Genomes Project or ESP global frequency and its presence in a patient with a rare or unrelated disease phenotype. NOT Sanger confirmed.

Genome Diagnostics Laboratory, University Medical Center Utrecht
Classification: Benign. Review status: no assertion criteria provided. Collection method: clinical testing. Allele origin: germline. Affected: yes. Study: VKGL Data-share Consensus. Not counted in ClinVar's aggregate classification.

Laboratory of Diagnostic Genome Analysis, Leiden University Medical Center (LUMC)
Classification: Likely benign. Review status: no assertion criteria provided. Collection method: clinical testing. Allele origin: germline. Affected: yes. Study: VKGL Data-share Consensus. Not counted in ClinVar's aggregate classification.

Literature cited by the submitters: PubMed 25205138 (cited by Athena Diagnostics).